The following is an entry in ClinVar:

ClinVar aggregate classification (germline): Likely pathogenic (1 of 4 stars; one submission).

Conditions:
Childhood-onset schizophrenia. Also called: Childhood schizophrenia. Identifiers: Orphanet 641496, MedGen C0036346, MONDO:0957430.

Allele frequency attached by ClinVar (database versions not stated): gnomAD 0.00001; ExAC 0.00002; TOPMed 0.00002.
gnomAD v4.1: 14 of 1,613,702 alleles (0.00087%); highest among the groups gnomAD compares: East Asian, 0.0045%; no homozygotes.

Submission:

Dr. Guy Rouleau's laboratory, McGill University
Classification: Likely pathogenic for Childhood Onset Schizophrenia. Last evaluated: 2014-01-01. Review status: criteria provided, single submitter. Criteria: Submitter's publication. Collection method: research. Allele origin: de novo. Affected: yes. Observed: 1 variant allele.
Comment: Identified by next generation sequencing and validated by Sanger sequencing

NM_207370.4(GPR153):c.217C>T (p.Arg73Cys)

Gene: GPR153 (G protein-coupled receptor 153; minus strand). Cytogenetic location: 1p36.31.
Variant type: single nucleotide variant.
Coding change: c.217C>T on transcript NM_207370.4 (MANE Select); coding-DNA position 217, C replaced by T.
Protein change: p.Arg73Cys; replaces arginine 73 with cysteine.
Molecular consequence: missense variant.
Genome position (GRCh38, 1-based): chr1:6,254,689, G>A on the plus strand (C>T on the coding strand, the complement: GPR153 is on the minus strand). VCF-style: chr1-6254689-G-A. GRCh37 (hg19) VCF-style: chr1-6314749-G-A.
Other names: short protein forms R73C.
Identifiers: ClinVar variation 208391 (VCV000208391.3), dbSNP rs776061422, ClinGen allele CA210455.
Genomic context (GRCh38, chr1:6,254,689, plus strand): 5'-GGGTGTAGAAGGTGGACACGAAGACCTTGCAGAGACCCTCATTCCACTCGAAGTCGGGGC[G>A]CTGCCGCCGCAGCTGCACCACGGAGTAGGTGGCGATGGGCACGGCCACATTTAGCATGTG-3'
Protein context (NP_997253.2, residues 63-83): TYSVVQLRRQ[Arg73Cys]PDFEWNEGLC